The following is an entry in ClinVar:

NM_000256.3(MYBPC3):c.2869dup (p.Thr957fs)

Gene: MYBPC3 (myosin binding protein C3; minus strand). Cytogenetic location: 11p11.2.
Variant type: Duplication.
Coding change: c.2869dup on transcript NM_000256.3 (MANE Select); coding-DNA position 2869, one base duplicated (A; older notation c.2869dupA).
Protein change: p.Thr957fs; shifts the reading frame from threonine 957.
Molecular consequence: frameshift variant.
Genome position (GRCh38, 1-based): chr11:47,335,078, T duplicated on the plus strand (A on the coding strand, the reverse complement: MYBPC3 is on the minus strand). VCF-style (leftmost placement, unchanged base first): chr11-47335077-G-GT. GRCh37 (hg19) VCF-style: chr11-47356628-G-GT.
Other names: c.2869dupA (NM_000256.3); c.2869dup, p.Thr957fs (LRG_386t1); short protein forms T957fs.
Identifiers: ClinVar variation 235020 (VCV000235020.3), dbSNP rs876661365, ClinGen allele CA10581158.

ClinVar aggregate classification (germline): Pathogenic/Likely pathogenic. Review status: criteria provided, multiple submitters, no conflicts (2 of 4 stars). 2 submissions from 2 submitters: Pathogenic (1); Likely pathogenic (1). Last evaluated 2024-02-13.

Conditions:
Cardiovascular phenotype. Identifiers: MedGen CN230736.

Submissions (2):

Ambry Genetics
Classification: Pathogenic for Cardiovascular phenotype. Last evaluated: 2024-02-13. Review status: criteria provided, single submitter. Criteria: Ambry Variant Classification Scheme 2023. Collection method: clinical testing. Allele origin: germline.
Comment: The c.2869dupA pathogenic mutation, located in coding exon 27 of the MYBPC3 gene, results from a duplication of A at nucleotide position 2869, causing a translational frameshift with a predicted alternate stop codon (p.T957Nfs*94). This alteration has been reported in hypertrophic cardiomyopathy (HCM) probands (Ho CY et al. Circulation, 2018 Oct;138:1387-1398; Ambry internal data). This variant is considered to be rare based on population cohorts in the Genome Aggregation Database (gnomAD). In addition to the clinical data presented in the literature, this alteration is expected to result in loss of function by premature protein truncation or nonsense-mediated mRNA decay. As such, this alteration is interpreted as a disease-causing mutation.

Stanford Center for Inherited Cardiovascular Disease, Stanford University
Classification: Likely pathogenic. Last evaluated: 2012-06-20. Review status: criteria provided, single submitter. Criteria: ACMG Guidelines, 2015. Collection method: provider interpretation. Allele origin: germline.

Literature cited by the submitters: PubMed 30297972 (cited by Ambry Genetics).